The following is an entry in ClinVar:

NM_030787.4(CFHR5):c.1155G>T (p.Arg385Ser)

Gene: CFHR5 (complement factor H related 5; plus strand). Cytogenetic location: 1q31.3.
Variant type: single nucleotide variant.
Coding change: c.1155G>T on transcript NM_030787.4 (MANE Select); coding-DNA position 1155, G replaced by T.
Protein change: p.Arg385Ser; replaces arginine 385 with serine.
Molecular consequence: missense variant.
Genome position (GRCh38, 1-based): chr1:197,002,489, G>T. VCF-style: chr1-197002489-G-T. GRCh37 (hg19) VCF-style: chr1-196971619-G-T.
Other names: short protein forms R385S.
Identifiers: ClinVar variation 716750 (VCV000716750.10), dbSNP rs141358257, ClinGen allele CA1307985.

ClinVar aggregate classification (germline): Benign/Likely benign. Review status: criteria provided, multiple submitters, no conflicts (2 of 4 stars). 4 submissions from 4 submitters: Benign (1); Likely benign (3). Last evaluated 2025-11-02.

Conditions:
CFHR5 deficiency. Identifiers: MedGen C3553720.
CFH-Related Dense Deposit Disease / Membranoproliferative Glomerulonephritis Type II. Identifiers: MedGen CN071292.

Allele frequency attached by ClinVar (database versions not stated): gnomAD 0.00001 and 0.00014; TOPMed 0.00002; ESP Exome Variant Server 0.00008; 1000 Genomes Project 0.00020; gnomAD exomes 0.00024 and 0.00044; 1000 Genomes Project 30x 0.00031; ExAC 0.00053.
gnomAD v4.1: 365 of 1,611,880 alleles (0.023%); highest among the groups gnomAD compares: South Asian, 0.38%; 1 homozygote.

Submissions (4):

Labcorp Genetics (formerly Invitae), Labcorp
Classification: Benign. Last evaluated: 2025-11-02. Review status: criteria provided, single submitter. Criteria: Invitae Variant Classification Sherloc (09022015). Collection method: clinical testing. Allele origin: germline.

Genome-Nilou Lab
Classification: Likely benign for C3 glomerulonephritis. Last evaluated: 2023-04-11. Review status: criteria provided, single submitter. Criteria: ACMG Guidelines, 2015. Collection method: clinical testing. Allele origin: germline. Affected: no.

Fulgent Genetics
Classification: Likely benign for C3 glomerulonephritis. Last evaluated: 2021-12-02. Review status: criteria provided, single submitter. Criteria: ACMG Guidelines, 2015. Collection method: clinical testing. Allele origin: unknown.

Illumina Laboratory Services, Illumina
Classification: Likely benign for Membranoproliferative glomerulonephritis with complement factor h deficiency. Last evaluated: 2018-01-13. Review status: criteria provided, single submitter. Criteria: ICSL Variant Classification Criteria 13 December 2019. Collection method: clinical testing. Allele origin: germline.
Comment: This variant was observed in the ICSL laboratory as part of a predisposition screen in an ostensibly healthy population. It had not been previously curated by ICSL or reported in the Human Gene Mutation Database (HGMD: prior to June 1st, 2018), and was therefore a candidate for classification through an automated scoring system. Utilizing variant allele frequency, disease prevalence and penetrance estimates, and inheritance mode, an automated score was calculated to assess if this variant is too frequent to cause the disease. Based on the score and internal cut-off values, a variant classified as likely benign is not then subjected to further curation. The score for this variant resulted in a classification of likely benign for this disease.